The following is an entry in ClinVar:

ClinVar aggregate classification (germline): Uncertain significance (1 of 4 stars; one submission).

Conditions:
PKD1-related disorder. Also called: PKD1-related condition.

Submission:

PreventionGenetics, part of Exact Sciences
Classification: Uncertain significance for PKD1-related condition. Last evaluated: 2025-12-19. Review status: criteria provided, single submitter. Criteria: ACMG Guidelines, 2015. Collection method: clinical testing. Allele origin: germline.
Comment: The PKD1 c.12445-9C>T variant is predicted to interfere with splicing. To our knowledge, this variant has not been reported in the literature. This variant is reported in 0.021% of alleles in individuals of Latino descent in gnomAD. At this time, the clinical significance of this variant is uncertain due to the absence of conclusive functional and genetic evidence.

NM_001009944.3(PKD1):c.12445-9C>T

Genes: MIR1225 (microRNA 1225; minus strand), PKD1 (polycystin 1, transient receptor potential channel interacting; minus strand). Cytogenetic location: 16p13.3.
Variant type: single nucleotide variant.
Coding change: c.12445-9C>T on transcript NM_001009944.3 (MANE Select); 9 bases into the intron before coding-DNA position 12445, C replaced by T.
Molecular consequence: intron variant. On other transcripts: non-coding transcript variant (1).
Genome position (GRCh38, 1-based): chr16:2,090,203, G>A on the plus strand (C>T on the coding strand, the complement: PKD1 is on the minus strand). VCF-style: chr16-2090203-G-A. GRCh37 (hg19) VCF-style: chr16-2140204-G-A.
Other names: c.12442-9C>T (NM_000296.4).
Identifiers: ClinVar variation 4985291 (VCV004985291.1).